The following is an entry in ClinVar:

ClinVar aggregate classification (germline): Uncertain significance (1 of 4 stars; one submission).

Conditions:
Rubinstein-Taybi syndrome due to EP300 haploinsufficiency. Also called: EP300-Related Rubinstein-Taybi Syndrome; RUBINSTEIN-TAYBI SYNDROME 2. Identifiers: Orphanet 353284, Orphanet 783, MedGen C3150941, MONDO:0013364, OMIM 613684.

Allele frequency attached by ClinVar (database versions not stated): gnomAD exomes below 0.00001.
gnomAD v4.1: 2 of 1,614,116 alleles (0.00012%); highest among the groups gnomAD compares: Admixed American, 0.0017%; no homozygotes.

Submission:

Labcorp Genetics (formerly Invitae), Labcorp
Classification: Uncertain significance for Rubinstein-Taybi syndrome due to EP300 haploinsufficiency. Last evaluated: 2024-07-03. Review status: criteria provided, single submitter. Criteria: Invitae Variant Classification Sherloc (09022015). Collection method: clinical testing. Allele origin: germline.
Comment: This sequence change replaces serine, which is neutral and polar, with phenylalanine, which is neutral and non-polar, at codon 1849 of the EP300 protein (p.Ser1849Phe). This variant is present in population databases (no rsID available, gnomAD 0.0009%). This variant has not been reported in the literature in individuals affected with EP300-related conditions. ClinVar contains an entry for this variant (Variation ID: 2124732). Advanced modeling of protein sequence and biophysical properties (such as structural, functional, and spatial information, amino acid conservation, physicochemical variation, residue mobility, and thermodynamic stability) performed at Invitae indicates that this missense variant is not expected to disrupt EP300 protein function with a negative predictive value of 80%. In summary, the available evidence is currently insufficient to determine the role of this variant in disease. Therefore, it has been classified as a Variant of Uncertain Significance.

NM_001429.4(EP300):c.5546C>T (p.Ser1849Phe)

Gene: EP300 (EP300 lysine acetyltransferase; plus strand). Cytogenetic location: 22q13.2.
Variant type: single nucleotide variant.
Coding change: c.5546C>T on transcript NM_001429.4 (MANE Select); coding-DNA position 5546, C replaced by T.
Protein change: p.Ser1849Phe; replaces serine 1849 with phenylalanine.
Molecular consequence: missense variant.
Genome position (GRCh38, 1-based): chr22:41,177,257, C>T. VCF-style: chr22-41177257-C-T. GRCh37 (hg19) VCF-style: chr22-41573261-C-T.
Other names: c.5468C>T, p.Ser1823Phe (NM_001362843.2); short protein forms S1849F, S1823F.
Identifiers: ClinVar variation 2124732 (VCV002124732.4), dbSNP rs1200933754, ClinGen allele CA411709217.